The following is an entry in ClinVar:

NM_002439.5(MSH3):c.2162G>T (p.Gly721Val)

Gene: MSH3 (mutS homolog 3; plus strand). Cytogenetic location: 5q14.1.
Variant type: single nucleotide variant.
Coding change: c.2162G>T on transcript NM_002439.5 (MANE Select); coding-DNA position 2162, G replaced by T.
Protein change: p.Gly721Val; replaces glycine 721 with valine.
Molecular consequence: missense variant.
Genome position (GRCh38, 1-based): chr5:80,768,912, G>T. VCF-style: chr5-80768912-G-T. GRCh37 (hg19) VCF-style: chr5-80064731-G-T.
Other names: short protein forms G721V.
Identifiers: ClinVar variation 1469025 (VCV001469025.8), dbSNP rs761901103, ClinGen allele CA360279465.

ClinVar aggregate classification (germline): Uncertain significance (1 of 4 stars; one submission).

gnomAD v4.1: 1 of 1,612,256 alleles (0.000062%); highest among the groups gnomAD compares: African/African-American, 0.0013%; no homozygotes.

Submission:

Labcorp Genetics (formerly Invitae), Labcorp
Classification: Uncertain significance. Last evaluated: 2021-07-01. Review status: criteria provided, single submitter. Criteria: Invitae Variant Classification Sherloc (09022015). Collection method: clinical testing. Allele origin: germline.
Comment: This sequence change replaces glycine with valine at codon 721 of the MSH3 protein (p.Gly721Val). The glycine residue is weakly conserved and there is a moderate physicochemical difference between glycine and valine. This variant is not present in population databases (ExAC no frequency). This variant has not been reported in the literature in individuals affected with MSH3-related conditions. Algorithms developed to predict the effect of missense changes on protein structure and function (SIFT, PolyPhen-2, Align-GVGD) all suggest that this variant is likely to be tolerated. In summary, the available evidence is currently insufficient to determine the role of this variant in disease. Therefore, it has been classified as a Variant of Uncertain Significance.